The following is an entry in ClinVar:

NM_005506.4(SCARB2):c.314A>T (p.Asn105Ile)

Gene: SCARB2 (scavenger receptor class B member 2; minus strand). Cytogenetic location: 4q21.1.
Variant type: single nucleotide variant.
Coding change: c.314A>T on transcript NM_005506.4 (MANE Select); coding-DNA position 314, A replaced by T.
Protein change: p.Asn105Ile; replaces asparagine 105 with isoleucine.
Molecular consequence: missense variant. On other transcripts: intron variant (1).
Genome position (GRCh38, 1-based): chr4:76,181,063, T>A on the plus strand (A>T on the coding strand, the complement: SCARB2 is on the minus strand). VCF-style: chr4-76181063-T-A. GRCh37 (hg19) VCF-style: chr4-77102216-T-A.
Other names: c.276-5153A>T (NM_001204255.2); c.314A>T (NM_005506.3); short protein forms N105I.
Identifiers: ClinVar variation 1004789 (VCV001004789.9), dbSNP rs1732373905, ClinGen allele CA357327315.
Genomic context (GRCh38, chr4:76,181,063, plus strand): 5'-ACAGATTGGTCTCGTTCAAAAACATAGGCCTTGTTGCTAACAGCAGATATTGTTGTTCCA[T>A]TATCTCCAAATTGAATATTTGCTTTGTTTCTGAGTTCCCTAAAAGAAAGAAAAGGGTTTT-3'
Protein context (NP_005497.1, residues 95-115): RNKANIQFGD[Asn105Ile]GTTISAVSNK

ClinVar aggregate classification (germline): Uncertain significance. Review status: criteria provided, multiple submitters, no conflicts (2 of 4 stars). 2 submissions from 2 submitters: Uncertain significance (2). Last evaluated 2023-04-26.

Conditions:
Progressive myoclonic epilepsy. Also called: Familial progressive myoclonic epilepsy; Myoclonic Epilepsies, Progressive; Myoclonus epilepsy; Progressive myoclonus epilepsy. Identifiers: Orphanet 308, Orphanet 98261, MedGen C0751778, MONDO:0020074.

Submissions (2):

GeneDx
Classification: Uncertain significance. Last evaluated: 2023-04-26. Review status: criteria provided, single submitter. Criteria: GeneDx Variant Classification Process June 2021. Collection method: clinical testing. Allele origin: germline. Affected: yes.
Comment: Not observed at significant frequency in large population cohorts (gnomAD); In silico analysis supports that this missense variant has a deleterious effect on protein structure/function; Has not been previously published as pathogenic or benign to our knowledge

Labcorp Genetics (formerly Invitae), Labcorp
Classification: Uncertain significance for Progressive myoclonic epilepsy. Last evaluated: 2022-10-05. Review status: criteria provided, single submitter. Criteria: Invitae Variant Classification Sherloc (09022015). Collection method: clinical testing. Allele origin: germline.
Comment: In summary, the available evidence is currently insufficient to determine the role of this variant in disease. Therefore, it has been classified as a Variant of Uncertain Significance. Algorithms developed to predict the effect of missense changes on protein structure and function (SIFT, PolyPhen-2, Align-GVGD) all suggest that this variant is likely to be disruptive. ClinVar contains an entry for this variant (Variation ID: 1004789). This variant has not been reported in the literature in individuals affected with SCARB2-related conditions. This variant is not present in population databases (gnomAD no frequency). This sequence change replaces asparagine, which is neutral and polar, with isoleucine, which is neutral and non-polar, at codon 105 of the SCARB2 protein (p.Asn105Ile).